The following is an entry in ClinVar:

NC_000011.10:g.(?_119024900)_(119029379_?)del

Gene: SLC37A4 (solute carrier family 37 member 4; minus strand). Cytogenetic location: 11q23.3.
Variant type: Deletion.
Identifiers: ClinVar variation 832011 (VCV000832011.5).

ClinVar aggregate classification (germline): Pathogenic (1 of 4 stars; one submission).

Conditions:
Glucose-6-phosphate transport defect (GSD1B). Also called: Glycogen Storage Disease Type Ib; GSD Ib. Identifiers: Orphanet 364, Orphanet 79259, MedGen C0268146, MONDO:0009288, OMIM 232220.

Submission:

Labcorp Genetics (formerly Invitae), Labcorp
Classification: Pathogenic for Glucose-6-phosphate transport defect. Last evaluated: 2022-10-05. Review status: criteria provided, single submitter. Criteria: Invitae Variant Classification Sherloc (09022015). Collection method: clinical testing. Allele origin: germline.
Comment: A gross deletion of the genomic region encompassing the full coding sequence of the SLC37A4 gene has been identified. Loss-of-function variants in SLC37A4 are known to be pathogenic (PMID: 9758626, 10940311). The boundaries of this event are unknown as they extend beyond the assayed region for this gene and therefore may encompass additional genes. This variant has not been reported in the literature in individuals affected with SLC37A4-related conditions. For these reasons, this variant has been classified as Pathogenic.

Literature cited by the submitters: PubMed 9758626; PubMed 10940311.